The following is an entry in ClinVar:

NM_005412.6(SHMT2):c.74G>A (p.Arg25Gln)

Gene: SHMT2 (serine hydroxymethyltransferase 2; plus strand). Cytogenetic location: 12q13.3.
Variant type: single nucleotide variant.
Coding change: c.74G>A on transcript NM_005412.6 (MANE Select); coding-DNA position 74, G replaced by A.
Protein change: p.Arg25Gln; replaces arginine 25 with glutamine.
Molecular consequence: missense variant. On other transcripts: non-coding transcript variant (4).
Genome position (GRCh38, 1-based): chr12:57,230,843, G>A. VCF-style: chr12-57230843-G-A. GRCh37 (hg19) VCF-style: chr12-57624626-G-A.
Other names: c.74G>A, p.Arg25Gln (NM_001166356.2); c.11G>A, p.Arg4Gln (NM_001166357.1, NM_001166358.2, NM_001166359.1); c.74G>A (NM_005412.5); short protein forms R25Q, R4Q.
Identifiers: ClinVar variation 4292025 (VCV004292025.2).
Genomic context (GRCh38, chr12:57,230,843, plus strand): 5'-CTGACTTTTCCTGCCTTCAGCCTCTGCAGAGATGTGGGCAGCTGGTCAGGATGGCCATTC[G>A]GGCTCAGCACAGCAACGCAGCCCAGACTCAGACTGGGGAAGCAAACAGGGGCTGGACAGG-3'
Protein context (NP_005403.2, residues 15-35): RCGQLVRMAI[Arg25Gln]AQHSNAAQTQ

ClinVar aggregate classification (germline): Uncertain significance. Review status: criteria provided, multiple submitters, no conflicts (2 of 4 stars). 2 submissions from 2 submitters: Uncertain significance (2). Last evaluated 2025-10-15.

Conditions:
Inborn genetic diseases. Identifiers: MedGen C0950123, MeSH D030342.
Neurodevelopmental disorder with cardiomyopathy, spasticity, and brain abnormalities. Identifiers: MedGen C5436848, MONDO:0030866, OMIM 619121.

gnomAD v4.1: 26 of 1,613,940 alleles (0.0016%); highest among the groups gnomAD compares: African/African-American, 0.0027%; no homozygotes.

Submissions (2):

Ambry Genetics
Classification: Uncertain significance for Inborn genetic diseases. Last evaluated: 2025-10-15. Review status: criteria provided, single submitter. Criteria: Ambry Variant Classification Scheme 2023. Collection method: clinical testing. Allele origin: germline.

3billion
Classification: Uncertain significance for Neurodevelopmental disorder with cardiomyopathy, spasticity, and brain abnormalities. Last evaluated: 2024-08-05. Review status: criteria provided, single submitter. Criteria: ACMG Guidelines, 2015. Collection method: clinical testing. Allele origin: germline. Affected: yes.
Comment: The variant is observed at an extremely low frequency in the gnomAD v4.0.0 dataset (total allele frequency: 0.002%). Predicted Consequence/Location: Missense variant In silico tool predictions suggest no damaging effect of the variant on gene or gene product [REVEL: 0.12 (<0.4); 3Cnet: 0.01 (<0.15, specificity 0.78 and negative predictive value 0.92)]. The variant has been reported as of uncertain significance (ClinVar ID: VCV002520963). Therefore, this variant is classified as VUS according to the recommendation of ACMG/AMP guideline.